The following is an entry in ClinVar:

NM_001114753.3(ENG):c.166C>T (p.Gln56Ter)

Gene: ENG (endoglin; minus strand). Cytogenetic location: 9q34.11.
Variant type: single nucleotide variant.
Coding change: c.166C>T on transcript NM_001114753.3 (MANE Select); coding-DNA position 166, C replaced by T.
Protein change: p.Gln56Ter; replaces glutamine 56 with a stop codon.
Molecular consequence: nonsense. On other transcripts: 5 prime UTR variant (1).
Genome position (GRCh38, 1-based): chr9:127,843,147, G>A on the plus strand (C>T on the coding strand, the complement: ENG is on the minus strand). VCF-style: chr9-127843147-G-A. GRCh37 (hg19) VCF-style: chr9-130605426-G-A.
Other names: p.Gln56*; c.166C>T, p.Gln56Ter (NM_000118.4, NM_001406715.1); c.-381C>T (NM_001278138.2); short protein forms Q56*.
Identifiers: ClinVar variation 660455 (VCV000660455.14), dbSNP rs1588596879, ClinGen allele CA374989010.

ClinVar aggregate classification (germline): Pathogenic. Review status: criteria provided, multiple submitters, no conflicts (2 of 4 stars). 4 submissions from 4 submitters: Pathogenic (4). Last evaluated 2025-07-13.

Conditions:
Hereditary hemorrhagic telangiectasia (HHT). Also called: ORW DISEASE; Osler Weber Rendu syndrome; OSLER-RENDU-WEBER DISEASE; Osler hemorrhagic telangiectasia syndrome. Identifiers: Orphanet 774, MedGen C0039445, MONDO:0019180. Disease mechanism: loss of function.
Telangiectasia, hereditary hemorrhagic, type 1 (HHT1). Also called: Osler Weber Rendu syndrome type 1; ENG-Related Hereditary Hemorrhagic Telangiectasia. Identifiers: Orphanet 774, MedGen C4551861, MONDO:0008535, OMIM 187300. Disease mechanism: loss of function.

Submissions (4):

Labcorp Genetics (formerly Invitae), Labcorp
Classification: Pathogenic for Hereditary hemorrhagic telangiectasia. Last evaluated: 2025-07-13. Review status: criteria provided, single submitter. Criteria: Invitae Variant Classification Sherloc (09022015). Collection method: clinical testing. Allele origin: germline.
Comment: This sequence change creates a premature translational stop signal (p.Gln56*) in the ENG gene. It is expected to result in an absent or disrupted protein product. Loss-of-function variants in ENG are known to be pathogenic (PMID: 15879500). This variant is not present in population databases (gnomAD no frequency). This premature translational stop signal has been observed in individual(s) with hereditary hemorrhagic telangiectasia (PMID: 16525724, 16752392). ClinVar contains an entry for this variant (Variation ID: 660455). For these reasons, this variant has been classified as Pathogenic.

Centre of Medical Genetics, University Hospital Muenster
Classification: Pathogenic. Last evaluated: 2023-07-06. Review status: criteria provided, single submitter. Criteria: ACMG Guidelines, 2015. Collection method: clinical testing. Allele origin: unknown. Affected: yes. Observed: 1 variant allele, 1 heterozygote.
Comment: ACMG categories: PVS1,PM1,PM2,PP5

Mayo Clinic Laboratories, Mayo Clinic
Classification: Pathogenic. Last evaluated: 2023-06-22. Review status: criteria provided, single submitter. Criteria: ACMG Guidelines, 2015. Collection method: clinical testing. Allele origin: germline. Observed: 1 variant allele.
Comment: PP4, PM2_supporting, PVS1

NIHR Bioresource Rare Diseases, University of Cambridge
Classification: Pathogenic for Telangiectasia, hereditary hemorrhagic, type 1. Last evaluated: 2018-01-01. Review status: criteria provided, single submitter. Criteria: ACMG Guidelines, 2015. Collection method: research. Allele origin: unknown. Affected: yes. Observed: 1 variant allele.
Comment: PVS1+PM2+PP4

Literature cited by the submitters: PubMed 15879500 (cited by Labcorp Genetics (formerly Invitae), Labcorp); PubMed 16525724 (cited by Labcorp Genetics (formerly Invitae), Labcorp); PubMed 16752392 (cited by Labcorp Genetics (formerly Invitae), Labcorp and Mayo Clinic Laboratories, Mayo Clinic); PubMed 31455059 (cited by Mayo Clinic Laboratories, Mayo Clinic); PubMed 32300199 (cited by Mayo Clinic Laboratories, Mayo Clinic); PubMed 32573726 (cited by Mayo Clinic Laboratories, Mayo Clinic and NIHR Bioresource Rare Diseases, University of Cambridge).